The following is an entry in ClinVar:

NM_001715.3(BLK):c.539G>A (p.Arg180His)

Genes: BLK (BLK proto-oncogene, Src family tyrosine kinase), BLK-AS1 (BLK antisense RNA 1). Cytogenetic location: 8p23.1.
Variant type: single nucleotide variant.
Coding change: c.539G>A on transcript NM_001715.3 (MANE Select); coding-DNA position 539, G replaced by A.
Protein change: p.Arg180His; replaces arginine 180 with histidine.
Molecular consequence: missense variant.
Genome position (GRCh38, 1-based): chr8:11,554,809, G>A. VCF-style: chr8-11554809-G-A. GRCh37 (hg19) VCF-style: chr8-11412318-G-A.
Other names: c.326G>A, p.Arg109His (NM_001330465.2); short protein forms R109H, R180H.
Identifiers: ClinVar variation 1337092 (VCV001337092.7), dbSNP rs144781247, ClinGen allele CA4629945.

ClinVar aggregate classification (germline): Uncertain significance. Review status: criteria provided, multiple submitters, no conflicts (2 of 4 stars). 3 submissions from 3 submitters: Uncertain significance (3). Last evaluated 2025-06-27.

Conditions:
Maturity-onset diabetes of the young type 11. Identifiers: Orphanet 552, MedGen C3150618, MONDO:0013242, OMIM 613375.

Allele frequency attached by ClinVar (database versions not stated): gnomAD 0.00008 and 0.00009; gnomAD exomes 0.00011; TOPMed 0.00011; ExAC 0.00015; ESP Exome Variant Server 0.00023.
gnomAD v4.1: 209 of 1,613,908 alleles (0.013%); highest among the groups gnomAD compares: Non-Finnish European, 0.016%; no homozygotes.

Submissions (3):

Labcorp Genetics (formerly Invitae), Labcorp
Classification: Uncertain significance. Last evaluated: 2025-06-27. Review status: criteria provided, single submitter. Criteria: Invitae Variant Classification Sherloc (09022015). Collection method: clinical testing. Allele origin: germline.
Comment: This sequence change replaces arginine, which is basic and polar, with histidine, which is basic and polar, at codon 180 of the BLK protein (p.Arg180His). This variant is present in population databases (rs144781247, gnomAD 0.02%). This variant has not been reported in the literature in individuals affected with BLK-related conditions. ClinVar contains an entry for this variant (Variation ID: 1337092). An algorithm developed to predict the effect of missense changes on protein structure and function (PolyPhen-2) suggests that this variant is likely to be tolerated. In summary, the available evidence is currently insufficient to determine the role of this variant in disease. Therefore, it has been classified as a Variant of Uncertain Significance.

Department of Pathology and Laboratory Medicine, Sinai Health System
Classification: Uncertain significance for Maturity-onset diabetes of the young type 11. Last evaluated: 2021-02-26. Review status: criteria provided, single submitter. Criteria: ACMG Guidelines, 2015. Collection method: research. Allele origin: germline.

Genetic Services Laboratory, University of Chicago
Classification: Uncertain significance. Last evaluated: 2019-04-10. Review status: criteria provided, single submitter. Criteria: ACMG Guidelines, 2015. Collection method: clinical testing. Allele origin: germline. Affected: no.